The following is an entry in ClinVar:

NM_002049.4(GATA1):c.599A>C (p.Glu200Ala)

Gene: GATA1 (GATA binding protein 1; plus strand). Cytogenetic location: Xp11.23.
Variant type: single nucleotide variant.
Coding change: c.599A>C on transcript NM_002049.4 (MANE Select); coding-DNA position 599, A replaced by C.
Protein change: p.Glu200Ala; replaces glutamic acid 200 with alanine.
Molecular consequence: missense variant.
Genome position (GRCh38, 1-based): chrX:48,792,323, A>C. VCF-style: chrX-48792323-A-C. GRCh37 (hg19) VCF-style: chrX-48650730-A-C.
Other names: short protein forms E200A.
Identifiers: ClinVar variation 2927945 (VCV002927945.3), dbSNP rs2062677868, ClinGen allele CA412870325.

ClinVar aggregate classification (germline): Uncertain significance (1 of 4 stars; one submission).

Conditions:
Diamond-Blackfan anemia. Also called: Blackfan Diamond syndrome; Aregenerative anemia chronic congenital; Red cell aplasia, pure hereditary; Congenital hypoplastic anemia; Aase syndrome. Identifiers: Orphanet 124, MedGen C1260899, MeSH D029503, MONDO:0015253, HP:0004810.
GATA binding protein 1 related thrombocytopenia with dyserythropoiesis. Also called: GATA1-Related Cytopenia; GATA1-Related X-Linked Cytopenia. Identifiers: MedGen C1845837, MONDO:0100089.

Allele frequency attached by ClinVar (database versions not stated): gnomAD 0.00001; TOPMed 0.00001.
gnomAD v4.1: 2 of 1,210,027 alleles (0.00017%); highest among the groups gnomAD compares: African/African-American, 0.0035%; no homozygotes.

Submission:

Labcorp Genetics (formerly Invitae), Labcorp
Classification: Uncertain significance for GATA binding protein 1 related thrombocytopenia with dyserythropoiesis; Diamond-Blackfan anemia. Last evaluated: 2023-08-04. Review status: criteria provided, single submitter. Criteria: Invitae Variant Classification Sherloc (09022015). Collection method: clinical testing. Allele origin: germline.
Comment: In summary, the available evidence is currently insufficient to determine the role of this variant in disease. Therefore, it has been classified as a Variant of Uncertain Significance. An algorithm developed to predict the effect of missense changes on protein structure and function (PolyPhen-2) suggests that this variant is likely to be disruptive. This variant has not been reported in the literature in individuals affected with GATA1-related conditions. This variant is not present in population databases (gnomAD no frequency). This sequence change replaces glutamic acid, which is acidic and polar, with alanine, which is neutral and non-polar, at codon 200 of the GATA1 protein (p.Glu200Ala).